The following is an entry in ClinVar:

ClinVar aggregate classification (germline): Pathogenic. Review status: criteria provided, multiple submitters, no conflicts (2 of 4 stars). 3 submissions from 3 submitters: Pathogenic (2). 1 of the submissions does not count toward it. Last evaluated 2025-06-02.

Conditions:
Sialidosis type 2. Also called: NEURAMINIDASE DEFICIENCY; LIPOMUCOPOLYSACCHARIDOSIS; ML I; NEU DEFICIENCY; NEUG DEFICIENCY; NEURAMINIDASE 1 DEFICIENCY. Identifiers: Orphanet 812, Orphanet 87876, MedGen C4282398, MONDO:0009738, OMIM 256550.

Submissions (3):

Human Genetics Bochum, Ruhr University Bochum
Classification: Pathogenic for Sialidosis type 2. Last evaluated: 2025-06-02. Review status: criteria provided, single submitter. Criteria: ACMG Guidelines, 2015. Collection method: clinical testing. Allele origin: germline. Affected: yes.
Comment: was identified in compound heterozygous state with c.913C>T; ACMG criteria used to clasify this variant: PVS1, PM3, PM2_SUP

CeGaT Center for Human Genetics Tuebingen
Classification: Pathogenic. Last evaluated: 2024-09-01. Review status: criteria provided, single submitter. Criteria: CeGaT Center For Human Genetics Tuebingen Variant Classification Criteria Version 2. Collection method: clinical testing. Allele origin: germline. Affected: yes. Observed: 3 variant alleles.
Comment: NEU1: PVS1, PM2, PM3

OMIM
Classification: Pathogenic for SIALIDOSIS, TYPE II. Last evaluated: 2000-04-12. Review status: no assertion criteria provided. Collection method: literature only. Allele origin: germline. Not counted in ClinVar's aggregate classification.

Literature cited by the submitters: PubMed 10767332 (cited by OMIM).

NM_000434.4(NEU1):c.625del (p.Glu209fs)

Gene: NEU1 (neuraminidase 1; minus strand). Cytogenetic location: 6p21.33.
Variant type: Deletion.
Coding change: c.625del on transcript NM_000434.4 (MANE Select); coding-DNA position 625, one base deleted (G; older notation c.625delG).
Protein change: p.Glu209fs; shifts the reading frame from glutamic acid 209.
Molecular consequence: frameshift variant.
Genome position (GRCh38, 1-based): chr6:31,860,612, C deleted on the plus strand (G on the coding strand, the reverse complement: NEU1 is on the minus strand); the first of 3 consecutive C bases (chr6:31,860,612-31,860,614); deleting any one gives the same sequence. VCF-style (leftmost placement, unchanged base first): chr6-31860611-TC-T. GRCh37 (hg19) VCF-style: chr6-31828388-TC-T.
Other names: short protein forms E209fs.
Identifiers: ClinVar variation 2448 (VCV000002448.16), dbSNP rs1581820081, ClinGen allele CA913187373.